The following is an entry in ClinVar:

ClinVar aggregate classification (germline): Uncertain significance. Review status: criteria provided, multiple submitters, no conflicts (2 of 4 stars). 2 submissions from 2 submitters: Uncertain significance (2). Last evaluated 2025-08-13.

Allele frequency attached by ClinVar (database versions not stated): gnomAD exomes below 0.00001.
gnomAD v4.1: 2 of 1,614,138 alleles (0.00012%); highest among the groups gnomAD compares: Non-Finnish European, 0.00017%; no homozygotes.

Submissions (2):

GeneDx
Classification: Uncertain significance. Last evaluated: 2025-08-13. Review status: criteria provided, single submitter. Criteria: GeneDx Variant Classification Process June 2021. Collection method: clinical testing. Allele origin: germline. Affected: yes.
Comment: Not observed at significant frequency in large population cohorts (gnomAD); In silico analysis supports that this missense variant has a deleterious effect on protein structure/function; Has not been previously published as pathogenic or benign to our knowledge

Labcorp Genetics (formerly Invitae), Labcorp
Classification: Uncertain significance. Last evaluated: 2022-08-23. Review status: criteria provided, single submitter. Criteria: Invitae Variant Classification Sherloc (09022015). Collection method: clinical testing. Allele origin: germline.
Comment: In summary, the available evidence is currently insufficient to determine the role of this variant in disease. Therefore, it has been classified as a Variant of Uncertain Significance. Algorithms developed to predict the effect of missense changes on protein structure and function are either unavailable or do not agree on the potential impact of this missense change (SIFT: "Deleterious"; PolyPhen-2: "Probably Damaging"; Align-GVGD: "Class C0"). ClinVar contains an entry for this variant (Variation ID: 1382508). This missense change has been observed in at least one individual who was not affected with GFAP-related conditions (Invitae). This variant has not been reported in the literature in individuals affected with GFAP-related conditions. This variant is not present in population databases (gnomAD no frequency). This sequence change replaces methionine, which is neutral and non-polar, with threonine, which is neutral and polar, at codon 342 of the GFAP protein (p.Met342Thr).

NM_002055.5(GFAP):c.1025T>C (p.Met342Thr)

Gene: GFAP (glial fibrillary acidic protein; minus strand). Cytogenetic location: 17q21.31.
Variant type: single nucleotide variant.
Coding change: c.1025T>C on transcript NM_002055.5 (MANE Select); coding-DNA position 1025, T replaced by C.
Protein change: p.Met342Thr; replaces methionine 342 with threonine.
Molecular consequence: missense variant.
Genome position (GRCh38, 1-based): chr17:44,911,338, A>G on the plus strand (T>C on the coding strand, the complement: GFAP is on the minus strand). VCF-style: chr17-44911338-A-G. GRCh37 (hg19) VCF-style: chr17-42988706-A-G.
Other names: c.1025T>C, p.Met342Thr (NM_001131019.3, NM_001242376.3, NM_001363846.2); c.1025T>C (NM_002055.4); short protein forms M342T.
Identifiers: ClinVar variation 1382508 (VCV001382508.9), dbSNP rs2145632874, ClinGen allele CA399843920.
Genomic context (GRCh38, chr17:44,911,338, plus strand): 5'-TCGATGTCCAGGGCCAGCTTGACATTGAGCAGGTCCTGGTACTCCTGCAAGTGGCGGGCC[A>G]TCTCGTCCTTGAGGCTCTGCCCCTCTTCCTCCAGCCGCGCCAGCGCCTCCTGATAACTGG-3'
Protein context (NP_002046.1, residues 332-352): EEEGQSLKDE[Met342Thr]ARHLQEYQDL